The following is an entry in ClinVar:

NM_024301.5(FKRP):c.826C>A (p.Leu276Ile)

Gene: FKRP (fukutin related protein; plus strand). Cytogenetic location: 19q13.32.
Variant type: single nucleotide variant.
Coding change: c.826C>A on transcript NM_024301.5 (MANE Select); coding-DNA position 826, C replaced by A.
Protein change: p.Leu276Ile; replaces leucine 276 with isoleucine.
Molecular consequence: missense variant.
Genome position (GRCh38, 1-based): chr19:46,756,276, C>A. VCF-style: chr19-46756276-C-A. GRCh37 (hg19) VCF-style: chr19-47259533-C-A.
Other names: FKRP, LEU276ILE (rs28937900); p.L276I:CTA>ATA; NM_024301.5(FKRP):c.826C>A; c.826C>A, p.Leu276Ile (NM_001039885.3); short protein forms L276I.
Identifiers: ClinVar variation 4221 (VCV000004221.126), dbSNP rs28937900, ClinGen allele CA116701.
Genomic context (GRCh38, chr19:46,756,276, plus strand): 5'-AAGGCTGAGCGCGAGGGACGCGCTCGGCGGGCGGCGCTGCTCCGCGCGCTGGGCATCCGC[C>A]TAGTGAGCTGGGAAGGCGGGCGGCTGGAGTGGTTCGGCTGCAACAAGGAGACCACGCGCT-3'
Protein context (NP_077277.1, residues 266-286): AALLRALGIR[Leu276Ile]VSWEGGRLEW

ClinVar aggregate classification (germline): Pathogenic/Likely pathogenic. Review status: criteria provided, multiple submitters, no conflicts (2 of 4 stars). 64 submissions from 58 submitters: Pathogenic (52); Likely pathogenic (5). 7 of the submissions do not count toward it. Last evaluated 2026-08-27.

Conditions:
Hereditary skeletal muscle disorder. Identifiers: MedGen CN324038, MONDO:0700223.
Myopathy caused by variation in FKRP. Identifiers: MedGen CN305637, MONDO:0700066.
Nizon-Isidor syndrome. Identifiers: MedGen C5394350, MONDO:0030030, OMIM 618872.
Fetal anomalies with a likely genetic cause.
FKRP-related muscular dystrophy-dystroglycanopathy.
FKRP-related disorder. Also called: FKRP-related condition.
Muscular dystrophy-dystroglycanopathy. Also called: Congenital muscular dystrophy due to dystroglycanopathy. Identifiers: Orphanet 370953, MedGen C5679911, MONDO:0018276.
Walker-Warburg congenital muscular dystrophy. Also called: Muscular dystrophy-dystroglycanopathy, type A; Walker-Warburg syndrome. Identifiers: Orphanet 899, MedGen C0265221, MONDO:0000171.
Muscular dystrophy-dystroglycanopathy (congenital with brain and eye anomalies), type A1 (MDDGA1). Also called: Muscular dystrophy-dystroglycanopathy (congenital with brain and eye anomalies), type A, 1; WALKER-WARBURG SYNDROME OR MUSCLE-EYE-BRAIN DISEASE, POMT1-RELATED; Hydrocephalus, agyria and retinal dysplasia; Hard +/- E syndrome; Warburg syndrome; Chemke syndrome. Identifiers: Orphanet 588, Orphanet 899, MedGen C4284790, MONDO:0009364, OMIM 236670.
Muscular dystrophy-dystroglycanopathy type B5 (MDDGB5). Also called: MUSCULAR DYSTROPHY-DYSTROGLYCANOPATHY (CONGENITAL WITH OR WITHOUT IMPAIRED INTELLECTUAL DEVELOPMENT), TYPE B, 5; MUSCULAR DYSTROPHY, CONGENITAL, 1C; MUSCULAR DYSTROPHY, CONGENITAL, FKRP-RELATED. Identifiers: MedGen C1847759, MONDO:0011688, OMIM 606612.
Autosomal recessive limb-girdle muscular dystrophy type 2I. Also called: MUSCULAR DYSTROPHY-DYSTROGLYCANOPATHY, LIMB-GIRDLE, FRKP-RELATED; MUSCULAR DYSTROPHY-DYSTROGLYCANOPATHY (LIMB-GIRDLE), TYPE C, 5; MUSCULAR DYSTROPHY, LIMB-GIRDLE, TYPE 2I. Identifiers: Orphanet 34515, MedGen C1846672, MONDO:0011787, OMIM 607155.
Muscular dystrophy-dystroglycanopathy (congenital with brain and eye anomalies), type A5. Also called: WALKER-WARBURG SYNDROME OR MUSCLE-EYE-BRAIN DISEASE, FKRP-RELATED; MUSCULAR DYSTROPHY-DYSTROGLYCANOPATHY (CONGENITAL WITH BRAIN AND EYE ANOMALIES), TYPE A, 5. Identifiers: Orphanet 588, Orphanet 899, MedGen C3150413, MONDO:0013157, OMIM 613153.
Cardiovascular phenotype. Identifiers: MedGen CN230736.
Autosomal recessive limb-girdle muscular dystrophy. Identifiers: Orphanet 102015, MedGen C2931907, MONDO:0015152.
Limb-girdle muscular dystrophy (LGMD). Also called: Muscular Dystrophies, Limb-Girdle. Identifiers: Orphanet 263, MedGen C0686353, MeSH D049288, MONDO:0016971, HP:0006785.
Neuronopathy, distal hereditary motor, type 2B. Also called: HMN IIB; NEURONOPATHY, DISTAL HEREDITARY MOTOR, AUTOSOMAL DOMINANT 3; NEURONOPATHY, DISTAL HEREDITARY MOTOR, HARDING TYPE IIB; NEUROPATHY, DISTAL HEREDITARY MOTOR, HARDING TYPE IIB. Identifiers: Orphanet 139525, MedGen C2608087, MONDO:0012080, OMIM 608634.
Myopathy. Identifiers: MedGen C0026848, MeSH D009135, MONDO:0005336, HP:0003198.
Scapular winging. Also called: winged scapula. Identifiers: MedGen C0240953, HP:0003691.
Difficulty standing. Identifiers: MedGen C0241237, HP:0003698.
Gait imbalance. Identifiers: MedGen C1836150, HP:0002141.
Headache. Also called: Headaches. Identifiers: MedGen C0018681, HP:0002315.
Muscle weakness. Identifiers: MedGen C0151786, HP:0001324.
Paresthesia. Identifiers: MedGen C0030554, HP:0003401.
Difficulty climbing stairs. Identifiers: MedGen C0239067, HP:0003551.
Difficulty walking. Identifiers: MedGen C0311394.

Allele frequency attached by ClinVar (database versions not stated): TOPMed 0.00102; ExAC 0.00396; 1000 Genomes Project 0.00060; 1000 Genomes Project 30x 0.00062; gnomAD exomes 0.00103.
gnomAD v4.1: 2,992 of 1,516,960 alleles (0.2%); highest among the groups gnomAD compares: Non-Finnish European, 0.25%; 2 homozygotes.

Submissions 1 to 7 of 64:

Genetics Laboratory, Great Ormond Street Hospital NHS Foundation Trust, North Thames Genomic Laboratory Hub
Classification: Likely pathogenic for Fetal anomalies with a likely genetic cause. Last evaluated: 2026-08-27. Review status: criteria provided, single submitter. Criteria: ACGS Best Practice Guidelines for Variant Classification in Rare Disease 2024 v1.2. Collection method: clinical testing. Allele origin: germline. Affected: yes.
Comment: PS4_moderate, PP3_supporting, PS3_moderate, PP1_strong

CeGaT Center for Human Genetics Tuebingen
Classification: Pathogenic. Last evaluated: 2026-07-01. Review status: criteria provided, single submitter. Criteria: CeGaT Center For Human Genetics Tuebingen Variant Classification Criteria Version 2. Collection method: clinical testing. Allele origin: germline. Affected: yes. Observed: 37 variant alleles.
Comment: FKRP: PM3:Very Strong, PM2:Supporting, PP3, PS3:Supporting

Institute of Human Genetics, University of Leipzig Medical Center
Classification: Pathogenic for Muscular dystrophy-dystroglycanopathy type B5. Last evaluated: 2026-04-29. Review status: criteria provided, single submitter. Criteria: ACMG Guidelines, 2015. Collection method: clinical testing. Allele origin: unknown. Inheritance: Autosomal recessive inheritance. Affected: yes.
Comment: Criteria applied: PM3_VSTR,PP1,PP3,PS3

Broad Center for Mendelian Genomics, Broad Institute of MIT and Harvard
Classification: Pathogenic for Autosomal recessive limb-girdle muscular dystrophy type 2I. Last evaluated: 2026-03-05. Review status: criteria provided, single submitter. Criteria: ACMG Guidelines, 2015. Collection method: research. Allele origin: germline. Inheritance: Autosomal recessive inheritance. Study: GREGoR Consortium.
Comment: The p.Leu276lle variant in FKRP has been reported in the homozygous or compound heterozygous state in >10 individuals with limb-girdle muscular dystrophy (LGMD) (Brockington 2001 PMID: 11741828; Walter 2004 PMID: 15060126). This variant is considered to be a founder mutation within the Hutterite population {Frosk 2005 PMID:15580560) and has been identified in 0.2% (2820/1135906) of European chromosomes by gnomAD, including 2 homozygous individuals {). Affected individuals may not be reliably excluded from the gnomAD database given that FKRP-related LGMD (type 21) is typically a milder form of disease and onset is typically in adulthood. This variant has also been reported in ClinVar {Variation ID: 4221). Computational prediction tools and conservation analyses suggest that this variant may impact the protein. Animal models in mice have shown that this variant causes limb-girdle muscular dystrophy (Krag 2015 PMID: 26574668). In summary, this variant meets criteria to be classified as pathogenic for autosomal recessive LGMD. ACMG/AMP Criteria applied: PM3_Very Strong, PS3, PP3.

Molecular Diagnostic Laboratory for Inherited Cardiovascular Disease, Montreal Heart Institute
Classification: Pathogenic for Cardiovascular phenotype. Last evaluated: 2026-02-24. Review status: criteria provided, single submitter. Criteria: ACMG Guidelines, 2015. Collection method: clinical testing. Allele origin: germline. Affected: yes.

Labcorp Genetics (formerly Invitae), Labcorp
Classification: Pathogenic for Walker-Warburg congenital muscular dystrophy. Last evaluated: 2026-02-04. Review status: criteria provided, single submitter. Criteria: Invitae Variant Classification Sherloc (09022015). Collection method: clinical testing. Allele origin: germline.
Comment: This sequence change replaces leucine, which is neutral and non-polar, with isoleucine, which is neutral and non-polar, at codon 276 of the FKRP protein (p.Leu276Ile). This variant is present in population databases (rs28937900, gnomAD 0.2%), and has an allele count higher than expected for a pathogenic variant. This missense change has been observed in individual(s) with limb girdle muscular dystrophy (PMID: 14647208, 16786213, 18060779, 18639457, 21220724, 23576288). It is commonly reported in individuals of Northern European ancestry (PMID: 11741828, 15580560). ClinVar contains an entry for this variant (Variation ID: 4221). Invitae Evidence Modeling of protein sequence and biophysical properties (such as structural, functional, and spatial information, amino acid conservation, physicochemical variation, residue mobility, and thermodynamic stability) has been performed for this missense variant. However, the output from this modeling did not meet the statistical confidence thresholds required to predict the impact of this variant on FKRP protein function. Experimental studies have shown that this missense change affects FKRP function (PMID: 11741828, 15580560, 23591631). For these reasons, this variant has been classified as Pathogenic.

Dasa
Classification: Pathogenic. Last evaluated: 2026-01-21. Review status: criteria provided, single submitter. Criteria: DASA Assertion Criteria. Collection method: clinical testing. Allele origin: germline.
Comment: NM_024301.5(FKRP):c.826C>A (p.Leu276Ile) is a missense variant that results in the substitution of leucine with isoleucine. Segregation evidence has been reported in affected families. This variant has been recurrently observed in affected individuals with related phenotype in a genotype context consistent with recessive disease (PMID: 32342672; PMID: 25560911; PMID: 11741828; PMID: 15060126; PMID: 15580560). Functional evidence supports a deleterious effect on the gene or gene product (PMID: 32342672; PMID: 25560911; PMID: 11741828; PMID: 15060126; PMID: 15580560). Multiple computational predictions support a deleterious effect on the gene or gene product. The variant is present at low frequency in population datasets. Based on the available data, this variant is classified as pathogenic.